The following is an entry in ClinVar:

ClinVar aggregate classification (germline): Uncertain significance (1 of 4 stars; one submission).

Conditions:
Asphyxiating thoracic dystrophy 5 (SRTD5). Also called: SHORT-RIB THORACIC DYSPLASIA 5 WITH OR WITHOUT POLYDACTYLY; SHORT-RIB THORACIC DYSPLASIA 5 WITHOUT POLYDACTYLY. Identifiers: Orphanet 474, MedGen C3280598, MONDO:0013717, OMIM 614376.
Senior-Loken syndrome 8 (SLSN8). Identifiers: Orphanet 3156, MedGen C4225376, MONDO:0014579, OMIM 616307.

Submission:

Labcorp Genetics (formerly Invitae), Labcorp
Classification: Uncertain significance for Senior-Loken syndrome 8; Asphyxiating thoracic dystrophy 5. Last evaluated: 2020-12-22. Review status: criteria provided, single submitter. Criteria: Invitae Variant Classification Sherloc (09022015). Collection method: clinical testing. Allele origin: germline.
Comment: This sequence change replaces methionine with valine at codon 993 of the WDR19 protein (p.Met993Val). The methionine residue is highly conserved and there is a small physicochemical difference between methionine and valine. This variant is not present in population databases (ExAC no frequency). This variant has not been reported in the literature in individuals with WDR19-related conditions. Algorithms developed to predict the effect of missense changes on protein structure and function (SIFT, PolyPhen-2, Align-GVGD) all suggest that this variant is likely to be tolerated, but these predictions have not been confirmed by published functional studies and their clinical significance is uncertain. In summary, the available evidence is currently insufficient to determine the role of this variant in disease. Therefore, it has been classified as a Variant of Uncertain Significance.

NM_025132.4(WDR19):c.2977A>G (p.Met993Val)

Gene: WDR19 (WD repeat domain 19; plus strand). Cytogenetic location: 4p14.
Variant type: single nucleotide variant.
Coding change: c.2977A>G on transcript NM_025132.4 (MANE Select); coding-DNA position 2977, A replaced by G.
Protein change: p.Met993Val; replaces methionine 993 with valine.
Molecular consequence: missense variant.
Genome position (GRCh38, 1-based): chr4:39,254,006, A>G. VCF-style: chr4-39254006-A-G. GRCh37 (hg19) VCF-style: chr4-39255626-A-G.
Other names: c.2497A>G, p.Met833Val (NM_001317924.2); short protein forms M993V, M833V.
Identifiers: ClinVar variation 855490 (VCV000855490.9), dbSNP rs1733514837, ClinGen allele CA356641941.